The following is an entry in ClinVar:

NM_000214.3(JAG1):c.820G>T (p.Gly274Cys)

Gene: JAG1 (jagged canonical Notch ligand 1; minus strand). Cytogenetic location: 20p12.2.
Variant type: single nucleotide variant.
Coding change: c.820G>T on transcript NM_000214.3 (MANE Select); coding-DNA position 820, G replaced by T.
Protein change: p.Gly274Cys; replaces glycine 274 with cysteine.
Molecular consequence: missense variant.
Genome position (GRCh38, 1-based): chr20:10,652,534, C>A on the plus strand (G>T on the coding strand, the complement: JAG1 is on the minus strand). VCF-style: chr20-10652534-C-A. GRCh37 (hg19) VCF-style: chr20-10633182-C-A.
Other names: short protein forms G274C.
Identifiers: ClinVar variation 1057247 (VCV001057247.12), dbSNP rs2122615095, ClinGen allele CA408239346.

ClinVar aggregate classification (germline): Uncertain significance (1 of 4 stars; one submission).

Conditions:
Alagille syndrome due to a JAG1 point mutation. Also called: Alagille Syndrome 1; HEPATIC DUCTULAR HYPOPLASIA, SYNDROMATIC; JAG1-Related Alagille Syndrome. Identifiers: Orphanet 261619, Orphanet 52, MedGen C1956125, MONDO:0016862, OMIM 118450.

Submissions (2):

Labcorp Genetics (formerly Invitae), Labcorp
Classification: Uncertain significance for Alagille syndrome due to a JAG1 point mutation. Last evaluated: 2021-07-28. Review status: criteria provided, single submitter. Criteria: Invitae Variant Classification Sherloc (09022015). Collection method: clinical testing. Allele origin: germline.
Comment: In summary, the available evidence is currently insufficient to determine the role of this variant in disease. Therefore, it has been classified as a Variant of Uncertain Significance. This variant disrupts the p.Gly274 amino acid residue in JAG1. Other variant(s) that disrupt this residue have been determined to be pathogenic (PMID: 11152664, 19780835, 12649809, 20437614). This suggests that this residue is clinically significant, and that variants that disrupt this residue are likely to be disease-causing. Algorithms developed to predict the effect of missense changes on protein structure and function are either unavailable or do not agree on the potential impact of this missense change (SIFT: "Deleterious"; PolyPhen-2: "Probably Damaging"; Align-GVGD: "Class C15"). This variant has not been reported in the literature in individuals with JAG1-related conditions. This variant is not present in population databases (ExAC no frequency). This sequence change replaces glycine with cysteine at codon 274 of the JAG1 protein (p.Gly274Cys). The glycine residue is highly conserved and there is a large physicochemical difference between glycine and cysteine.

Gilbert/Spinner Lab, Children's Hospital of Philadelphia
No classification provided (evidence only). Condition: Alagille syndrome. Review status: no classification provided. Collection method: research. Allele origin: not applicable. Functional consequence: functionally_abnormal. Not counted in ClinVar's aggregate classification.
ClinVar note: "not provided" was previously submitted as the classification for the variant. However, the classification appeared to be based only on an observation of functional data so it was converted to no classification on 2025-07-30.

Literature cited by the submitters: PubMed 11152664 (cited by Labcorp Genetics (formerly Invitae), Labcorp); PubMed 19780835 (cited by Labcorp Genetics (formerly Invitae), Labcorp); PubMed 12649809 (cited by Labcorp Genetics (formerly Invitae), Labcorp); PubMed 20437614 (cited by Labcorp Genetics (formerly Invitae), Labcorp).